The following is an entry in ClinVar:

ClinVar aggregate classification (germline): Uncertain significance (1 of 4 stars; one submission).

Conditions:
Pyridoxal phosphate-responsive seizures (PNPOD). Also called: Pyridoxamine 5-Prime-Phosphate Oxidase Deficiency; Pyridoxine-5'-phosphate oxidase deficiency; Pyridoxal 5'-Phosphate (PLP)-Dependent Epilepsy; EPILEPTIC ENCEPHALOPATHY, NEONATAL, PNPO-RELATED; SEIZURES, PYRIDOXINE-RESISTANT, PLP-SENSITIVE. Identifiers: Orphanet 79096, MedGen C1864723, MONDO:0012407, OMIM 610090. Disease mechanism: loss of function.

Allele frequency attached by ClinVar (database versions not stated): gnomAD 0.00001; TOPMed 0.00001.
gnomAD v4.1: 6 of 1,612,952 alleles (0.00037%); highest among the groups gnomAD compares: Non-Finnish European, 0.00051%; no homozygotes.

Submission:

Labcorp Genetics (formerly Invitae), Labcorp
Classification: Uncertain significance for Pyridoxal phosphate-responsive seizures. Last evaluated: 2020-01-03. Review status: criteria provided, single submitter. Criteria: Invitae Variant Classification Sherloc (09022015). Collection method: clinical testing. Allele origin: germline.
Comment: In summary, the available evidence is currently insufficient to determine the role of this variant in disease. Therefore, it has been classified as a Variant of Uncertain Significance. Algorithms developed to predict the effect of missense changes on protein structure and function are either unavailable or do not agree on the potential impact of this missense change (SIFT: "Tolerated"; PolyPhen-2: "Probably Damaging"; Align-GVGD: "Class C0"). This variant has not been reported in the literature in individuals with PNPO-related conditions. This variant is not present in population databases (ExAC no frequency). This sequence change replaces glutamic acid with alanine at codon 120 of the PNPO protein (p.Glu120Ala). The glutamic acid residue is moderately conserved and there is a moderate physicochemical difference between glutamic acid and alanine.

NM_018129.4(PNPO):c.359A>C (p.Glu120Ala)

Gene: PNPO (pyridoxamine 5'-phosphate oxidase; plus strand). Cytogenetic location: 17q21.32.
Variant type: single nucleotide variant.
Coding change: c.359A>C on transcript NM_018129.4 (MANE Select); coding-DNA position 359, A replaced by C.
Protein change: p.Glu120Ala; replaces glutamic acid 120 with alanine.
Molecular consequence: missense variant.
Genome position (GRCh38, 1-based): chr17:47,944,711, A>C. VCF-style: chr17-47944711-A-C. GRCh37 (hg19) VCF-style: chr17-46022077-A-C.
Other names: short protein forms E120A.
Identifiers: ClinVar variation 1044014 (VCV001044014.7), dbSNP rs1245491170, ClinGen allele CA400057440.